The following is an entry in ClinVar:

ClinVar aggregate classification (germline): Pathogenic (1 of 4 stars; one submission).

Conditions:
Rare genetic deafness. Identifiers: Orphanet 96210, MedGen C5680250.

Submission:

Laboratory for Molecular Medicine, Mass General Brigham Personalized Medicine
Classification: Pathogenic for Rare genetic deafness. Last evaluated: 2010-10-06. Review status: criteria provided, single submitter. Criteria: LMM Criteria. Collection method: clinical testing. Allele origin: germline. Observed: 1 variant allele.
Comment: The Phe671fs variant in CDH23 has not been reported in the literature nor previo usly identified by our laboratory. However, the Phe671fs variant is predicted to cause a frameshift, which alters the protein's amino acid sequence beginning at codon 671 and leads to a premature stop 22 codons downstream. This alteration i s then predicted to lead to a truncated or absent protein. In summary, this vari ant meets our criteria to be classified as pathogenic.

NM_022124.6(CDH23):c.2012del (p.Phe671fs)

Gene: CDH23 (cadherin related 23; plus strand). Cytogenetic location: 10q22.1.
Variant type: Deletion.
Coding change: c.2012del on transcript NM_022124.6 (MANE Select); coding-DNA position 2012, one base deleted (T; older notation c.2012delT).
Protein change: p.Phe671fs; shifts the reading frame from phenylalanine 671.
Molecular consequence: frameshift variant.
Genome position (GRCh38, 1-based): chr10:71,687,672, T deleted; the last of 2 consecutive T bases (chr10:71,687,671-71,687,672); deleting either gives the same sequence. VCF-style (leftmost placement, unchanged base first): chr10-71687670-CT-C. GRCh37 (hg19) VCF-style: chr10-73447427-CT-C.
Other names: c.2012del, p.Phe671fs (NM_001171930.2, NM_001171931.2); short protein forms F671fs.
Identifiers: ClinVar variation 45886 (VCV000045886.4), dbSNP rs397517313, ClinGen allele CA261775.